The following is an entry in ClinVar:

ClinVar aggregate classification (germline): Uncertain significance. Review status: criteria provided, multiple submitters, no conflicts (2 of 4 stars). 2 submissions from 2 submitters: Uncertain significance (2). Last evaluated 2023-06-06.

Conditions:
Atrioventricular septal defect 5 (AVSD5). Identifiers: MedGen C3280939, MONDO:0013769, OMIM 614474.

Allele frequency attached by ClinVar (database versions not stated): TOPMed below 0.00001.
gnomAD v4.1: 4 of 1,433,356 alleles (0.00028%); highest among the groups gnomAD compares: South Asian, 0.0024%; no homozygotes.

Submissions (2):

Revvity Omics, Revvity
Classification: Uncertain significance. Last evaluated: 2023-06-06. Review status: criteria provided, single submitter. Criteria: ACMG Guidelines, 2015. Collection method: clinical testing. Allele origin: germline.

Labcorp Genetics (formerly Invitae), Labcorp
Classification: Uncertain significance for Atrioventricular septal defect 5. Last evaluated: 2020-09-15. Review status: criteria provided, single submitter. Criteria: Invitae Variant Classification Sherloc (09022015). Collection method: clinical testing. Allele origin: germline.
Comment: In summary, the available evidence is currently insufficient to determine the role of this variant in disease. Therefore, it has been classified as a Variant of Uncertain Significance. Algorithms developed to predict the effect of missense changes on protein structure and function output the following: SIFT: "Tolerated"; PolyPhen-2: "Benign"; Align-GVGD: "Class C0". The threonine amino acid residue is found in multiple mammalian species, suggesting that this missense change does not adversely affect protein function. These predictions have not been confirmed by published functional studies and their clinical significance is uncertain. This variant has not been reported in the literature in individuals with GATA6-related conditions. The frequency data for this variant in the population databases is considered unreliable, as metrics indicate insufficient coverage at this position in the ExAC database. This sequence change replaces alanine with threonine at codon 351 of the GATA6 protein (p.Ala351Thr). The alanine residue is moderately conserved and there is a small physicochemical difference between alanine and threonine.

NM_005257.6(GATA6):c.1051G>A (p.Ala351Thr)

Gene: GATA6 (GATA binding protein 6; plus strand). Cytogenetic location: 18q11.2.
Variant type: single nucleotide variant.
Coding change: c.1051G>A on transcript NM_005257.6 (MANE Select); coding-DNA position 1051, G replaced by A.
Protein change: p.Ala351Thr; replaces alanine 351 with threonine.
Molecular consequence: missense variant.
Genome position (GRCh38, 1-based): chr18:22,172,195, G>A. VCF-style: chr18-22172195-G-A. GRCh37 (hg19) VCF-style: chr18-19752156-G-A.
Other names: c.1051G>A (NM_005257.5); short protein forms A351T.
Identifiers: ClinVar variation 1043077 (VCV001043077.10), dbSNP rs1462457750, ClinGen allele CA401801703.
Genomic context (GRCh38, chr18:22,172,195, plus strand): 5'-CACCACCATCCGAGCCCCTACTCGCCCTACGTGGGGGCGCCACTGACGCCTGCCTGGCCC[G>A]CCGGACCCTTCGAGACCCCGGTGCTGCACAGCCTGCAGAGCCGCGCCGGAGCCCCGCTCC-3'
Protein context (NP_005248.2, residues 341-361): VGAPLTPAWP[Ala351Thr]GPFETPVLHS